The following is an entry in ClinVar:

NM_001252024.2(TRPM1):c.2988G>A (p.Leu996=)

Genes: TRPM1 (transient receptor potential cation channel subfamily M member 1; minus strand), TRPM1-AS1 (TRPM1 antisense RNA 1; plus strand). Cytogenetic location: 15q13.3.
Variant type: single nucleotide variant.
Coding change: c.2988G>A on transcript NM_001252024.2 (MANE Select); coding-DNA position 2988, G replaced by A.
Protein change: p.Leu996=; no amino-acid change (leucine 996 retained).
Molecular consequence: synonymous variant.
Genome position (GRCh38, 1-based): chr15:31,031,122, C>T on the plus strand (G>A on the coding strand, the complement: TRPM1 is on the minus strand). VCF-style: chr15-31031122-C-T. GRCh37 (hg19) VCF-style: chr15-31323325-C-T.
Other names: c.3039G>A (NM_001252020.1); c.3039G>A, p.Leu1013= (NM_001252020.2); c.2922G>A, p.Leu974= (NM_002420.6).
Identifiers: ClinVar variation 785899 (VCV000785899.13), dbSNP rs144301422, ClinGen allele CA7452011.

ClinVar aggregate classification (germline): Benign/Likely benign. Review status: criteria provided, multiple submitters, no conflicts (2 of 4 stars). 3 submissions from 3 submitters: Benign (1); Likely benign (2). Last evaluated 2025-11-13.

Conditions:
TRPM1-related disorder. Also called: TRPM1-related condition.

Allele frequency attached by ClinVar (database versions not stated): TOPMed 0.00061; gnomAD 0.00071 and 0.00074; 1000 Genomes Project 30x 0.00094; ESP Exome Variant Server 0.00094; 1000 Genomes Project 0.00100.
gnomAD v4.1: 229 of 1,614,196 alleles (0.014%); highest among the groups gnomAD compares: African/African-American, 0.28%; 1 homozygote.

Submissions (3):

Labcorp Genetics (formerly Invitae), Labcorp
Classification: Benign. Last evaluated: 2025-11-13. Review status: criteria provided, single submitter. Criteria: Invitae Variant Classification Sherloc (09022015). Collection method: clinical testing. Allele origin: germline.

PreventionGenetics, part of Exact Sciences
Classification: Likely benign for TRPM1-related condition. Last evaluated: 2024-10-31. Review status: criteria provided, single submitter. Criteria: ACMG Guidelines, 2015. Collection method: clinical testing. Allele origin: germline.
Comment: This variant is classified as likely benign based on ACMG/AMP sequence variant interpretation guidelines (Richards et al. 2015 PMID: 25741868, with internal and published modifications).

Blueprint Genetics
Classification: Likely benign. Last evaluated: 2022-10-24. Review status: criteria provided, single submitter. Criteria: ACMG Guidelines, 2015. Collection method: clinical testing. Allele origin: germline.